The following is an entry in ClinVar:

ClinVar aggregate classification (germline): Benign/Likely benign. Review status: criteria provided, multiple submitters, no conflicts (2 of 4 stars). 3 submissions from 3 submitters: Benign (1); Likely benign (2). Last evaluated 2026-01-22.

Allele frequency attached by ClinVar (database versions not stated): 1000 Genomes Project 0.00499; 1000 Genomes Project 30x 0.00531; TOPMed 0.01255; gnomAD 0.01319 and 0.01347; gnomAD exomes 0.01429 and 0.02024; ExAC 0.01550; ESP Exome Variant Server 0.01707.
gnomAD v4.1: 31,378 of 1,614,226 alleles (1.9%); highest among the groups gnomAD compares: Non-Finnish European, 2.3%; 374 homozygotes.

Submissions (3):

Labcorp Genetics (formerly Invitae), Labcorp
Classification: Benign. Last evaluated: 2026-01-22. Review status: criteria provided, single submitter. Criteria: Invitae Variant Classification Sherloc (09022015). Collection method: clinical testing. Allele origin: germline.

GeneDx
Classification: Likely benign. Last evaluated: 2024-08-29. Review status: criteria provided, single submitter. Criteria: GeneDx Variant Classification Process June 2021. Collection method: clinical testing. Allele origin: germline. Affected: yes.
Comment: See Variant Classification Assertion Criteria.

Breakthrough Genomics
Classification: Likely benign. Review status: criteria provided, single submitter. Criteria: ACMG Guidelines, 2015. Collection method: not provided. Allele origin: germline. Inheritance: Autosomal recessive inheritance. Affected: yes.

NM_015073.3(SIPA1L3):c.3731C>T (p.Pro1244Leu)

Gene: SIPA1L3 (signal induced proliferation associated 1 like 3; plus strand). Cytogenetic location: 19q13.13.
Variant type: single nucleotide variant.
Coding change: c.3731C>T on transcript NM_015073.3 (MANE Select); coding-DNA position 3731, C replaced by T.
Protein change: p.Pro1244Leu; replaces proline 1244 with leucine.
Molecular consequence: missense variant.
Genome position (GRCh38, 1-based): chr19:38,162,322, C>T. VCF-style: chr19-38162322-C-T. GRCh37 (hg19) VCF-style: chr19-38652962-C-T.
Other names: short protein forms P1244L.
Identifiers: ClinVar variation 1316599 (VCV001316599.11), dbSNP rs61729129, ClinGen allele CA9410106.
Genomic context (GRCh38, chr19:38,162,322, plus strand): 5'-GGCATGTGCCTGCCCAGGCCAGGCTCTCAGCCATAGCCGGAAGCAGCGGGAACAAGCACC[C>T]GTCCAGGCAGGATGCAGCAGGCAAAGATTCCCCCAACAGGCATTCCAAAGTGAGTCTGGG-3'
Protein context (NP_055888.1, residues 1234-1254): AIAGSSGNKH[Pro1244Leu]SRQDAAGKDS